The following is an entry in ClinVar:

NM_004360.5(CDH1):c.2464C>G (p.Pro822Ala)

Gene: CDH1 (cadherin 1; plus strand). Cytogenetic location: 16q22.1.
Variant type: single nucleotide variant.
Coding change: c.2464C>G on transcript NM_004360.5 (MANE Select); coding-DNA position 2464, C replaced by G.
Protein change: p.Pro822Ala; replaces proline 822 with alanine.
Molecular consequence: missense variant.
Genome position (GRCh38, 1-based): chr16:68,833,314, C>G. VCF-style: chr16-68833314-C-G. GRCh37 (hg19) VCF-style: chr16-68867217-C-G.
Other names: c.2464C>G (LRG_301t1); c.2281C>G, p.Pro761Ala (NM_001317184.2); c.916C>G, p.Pro306Ala (NM_001317185.2); c.499C>G, p.Pro167Ala (NM_001317186.2); short protein forms P822A, P306A, P761A, P167A.
Identifiers: ClinVar variation 406632 (VCV000406632.10), dbSNP rs876660086, ClinGen allele CA16615001.

ClinVar aggregate classification (germline): Uncertain significance. Review status: criteria provided, multiple submitters, no conflicts (2 of 4 stars). 2 submissions from 2 submitters: Uncertain significance (2). Last evaluated 2024-07-30.

Conditions:
Hereditary cancer-predisposing syndrome. Also called: Tumor predisposition; Neoplastic Syndromes, Hereditary; Hereditary Cancer Syndrome; Hereditary neoplastic syndrome. Identifiers: Orphanet 140162, MedGen C0027672, MeSH D009386, MONDO:0015356.
Hereditary diffuse gastric adenocarcinoma (HDGC). Also called: DIFFUSE GASTRIC AND LOBULAR BREAST CANCER SYNDROME. Identifiers: Orphanet 26106, MedGen C1708349, MONDO:0007648, OMIM 137215.

Submissions (2):

Labcorp Genetics (formerly Invitae), Labcorp
Classification: Uncertain significance for Hereditary diffuse gastric adenocarcinoma. Last evaluated: 2024-07-30. Review status: criteria provided, single submitter. Criteria: Invitae Variant Classification Sherloc (09022015). Collection method: clinical testing. Allele origin: germline.
Comment: This sequence change replaces proline, which is neutral and non-polar, with alanine, which is neutral and non-polar, at codon 822 of the CDH1 protein (p.Pro822Ala). This variant is not present in population databases (gnomAD no frequency). This variant has not been reported in the literature in individuals affected with CDH1-related conditions. ClinVar contains an entry for this variant (Variation ID: 406632). An algorithm developed to predict the effect of missense changes on protein structure and function (PolyPhen-2) suggests that this variant is likely to be disruptive. In summary, the available evidence is currently insufficient to determine the role of this variant in disease. Therefore, it has been classified as a Variant of Uncertain Significance.

Ambry Genetics
Classification: Uncertain significance for Hereditary cancer-predisposing syndrome. Last evaluated: 2023-10-10. Review status: criteria provided, single submitter. Criteria: Ambry Variant Classification Scheme 2023. Collection method: clinical testing. Allele origin: germline.
Comment: The p.P822A variant (also known as c.2464C>G), located in coding exon 16 of the CDH1 gene, results from a C to G substitution at nucleotide position 2464. The proline at codon 822 is replaced by alanine, an amino acid with highly similar properties. This amino acid position is conserved. In addition, the in silico prediction for this alteration is inconclusive. Since supporting evidence is limited at this time, the clinical significance of this alteration remains unclear.